The following is an entry in ClinVar:

NM_000439.5(PCSK1):c.710-5C>T

Genes: CAST (calpastatin; plus strand), PCSK1 (proprotein convertase subtilisin/kexin type 1; minus strand), LOC101929710 (uncharacterized LOC101929710; plus strand). Cytogenetic location: 5q15.
Variant type: single nucleotide variant.
Coding change: c.710-5C>T on transcript NM_000439.5 (MANE Select); 5 bases into the intron before coding-DNA position 710, C replaced by T.
Molecular consequence: intron variant.
Genome position (GRCh38, 1-based): chr5:96,412,495, G>A on the plus strand (C>T on the coding strand, the complement: PCSK1 is on the minus strand). VCF-style: chr5-96412495-G-A. GRCh37 (hg19) VCF-style: chr5-95748199-G-A.
Other names: c.-175+32843G>A (NM_001423254.1, NM_001423259.1, NM_001423255.1 and 6 more transcripts); c.-103+32843G>A (NM_001423253.1); c.-40+32843G>A (NM_001423258.1); c.569-5C>T (NM_001177875.2).
Identifiers: ClinVar variation 3357051 (VCV003357051.1).

ClinVar aggregate classification (germline): Likely benign (0 of 4 stars; one submission).

Conditions:
PCSK1-related disorder. Also called: PCSK1-related condition.

Submission:

PreventionGenetics, part of Exact Sciences
Classification: Likely benign for PCSK1-related condition. Last evaluated: 2021-03-22. Review status: no assertion criteria provided. Collection method: clinical testing. Allele origin: germline.
Comment: This variant is classified as likely benign based on ACMG/AMP sequence variant interpretation guidelines (Richards et al. 2015 PMID: 25741868, with internal and published modifications).